The following is an entry in ClinVar:

NM_000543.5(SMPD1):c.995C>T (p.Pro332Leu)

Gene: SMPD1 (sphingomyelin phosphodiesterase 1; plus strand). Cytogenetic location: 11p15.4.
Variant type: single nucleotide variant.
Coding change: c.995C>T on transcript NM_000543.5 (MANE Select); coding-DNA position 995, C replaced by T.
Protein change: p.Pro332Leu; replaces proline 332 with leucine.
Molecular consequence: missense variant. On other transcripts: non-coding transcript variant (1).
Genome position (GRCh38, 1-based): chr11:6,392,060, C>T. VCF-style: chr11-6392060-C-T. GRCh37 (hg19) VCF-style: chr11-6413290-C-T.
Other names: c.995C>T (NM_000543.4); c.992C>T, p.Pro331Leu (NM_001007593.3); c.995C>T, p.Pro332Leu (NM_001318087.2, NM_001365135.2); c.34C>T, p.Pro12Ser (NM_001318088.2); short protein forms P332L, P331L, P12S.
Identifiers: ClinVar variation 501715 (VCV000501715.12), dbSNP rs202081954, ClinGen allele CA5852723.
Genomic context (GRCh38, chr11:6,392,060, plus strand): 5'-TGCCAGTGTACCCTGCTGTGGGTAACCATGAAAGCACACCTGTCAATAGCTTCCCTCCCC[C>T]CTTCATTGAGGGCAACCACTCCTCCCGCTGGCTCTATGAAGCGATGGCCAAGGCTTGGGA-3'
Protein context (NP_000534.3, residues 322-342): ESTPVNSFPP[Pro332Leu]FIEGNHSSRW

ClinVar aggregate classification (germline): Conflicting classifications of pathogenicity. Review status: criteria provided, conflicting classifications (1 of 4 stars). 5 submissions from 5 submitters: Likely pathogenic (1); Uncertain significance (4). Last evaluated 2026-05-06.

Conditions:
SMPD1-related disorder. Also called: SMPD1-related condition.
Niemann-Pick disease, type B. Also called: Chronic Visceral ASMD (Niemann-Pick Disease Type B; NPD-B). Identifiers: Orphanet 77293, MedGen C0268243, MONDO:0011871, OMIM 607616. Disease mechanism: loss of function.
Niemann-Pick disease, type A. Also called: Infantile Neurovisceral ASMD (Niemann-Pick Disease Type A; NPD-A); SPHINGOMYELIN LIPIDOSIS; SPHINGOMYELINASE DEFICIENCY. Identifiers: Orphanet 77292, MedGen C0268242, MONDO:0009756, OMIM 257200. Disease mechanism: loss of function.

Allele frequency attached by ClinVar (database versions not stated): TOPMed 0.00036; ESP Exome Variant Server 0.00046.
gnomAD v4.1: 87 of 1,614,064 alleles (0.0054%); highest among the groups gnomAD compares: African/African-American, 0.093%; no homozygotes.

Submissions (5):

PreventionGenetics, part of Exact Sciences
Classification: Uncertain significance for SMPD1-related condition. Last evaluated: 2026-05-06. Review status: criteria provided, single submitter. Criteria: ACMG Guidelines, 2015. Collection method: clinical testing. Allele origin: germline.
Comment: The SMPD1 c.995C>T variant is predicted to result in the amino acid substitution p.Pro332Leu. To our knowledge, this variant has not been reported in the literature. This variant is reported in 0.084% of alleles in individuals of African descent in gnomAD. Although we suspect that this variant may be pathogenic, at this time, the clinical significance of this variant is uncertain due to the absence of conclusive functional and genetic evidence.

Labcorp Genetics (formerly Invitae), Labcorp
Classification: Likely pathogenic for Niemann-Pick disease, type B; Niemann-Pick disease, type A. Last evaluated: 2025-12-26. Review status: criteria provided, single submitter. Criteria: Invitae Variant Classification Sherloc (09022015). Collection method: clinical testing. Allele origin: germline.
Comment: This sequence change replaces proline, which is neutral and non-polar, with leucine, which is neutral and non-polar, at codon 332 of the SMPD1 protein (p.Pro332Leu). This variant is present in population databases (rs202081954, gnomAD 0.09%). This variant has not been reported in the literature in individuals affected with SMPD1-related conditions. ClinVar contains an entry for this variant (Variation ID: 501715). Invitae Evidence Modeling of protein sequence and biophysical properties (such as structural, functional, and spatial information, amino acid conservation, physicochemical variation, residue mobility, and thermodynamic stability) has been performed for this missense variant. However, the output from this modeling did not meet the statistical confidence thresholds required to predict the impact of this variant on SMPD1 protein function. This variant disrupts the p.Pro332 amino acid residue in SMPD1. Other variant(s) that disrupt this residue have been determined to be pathogenic (PMID: 15545621, 17011332; internal data). This suggests that this residue is clinically significant, and that variants that disrupt this residue are likely to be disease-causing. In summary, the currently available evidence indicates that the variant is pathogenic, but additional data are needed to prove that conclusively. Therefore, this variant has been classified as Likely Pathogenic.

Women's Health and Genetics/Laboratory Corporation of America, LabCorp
Classification: Uncertain significance. Last evaluated: 2025-05-16. Review status: criteria provided, single submitter. Criteria: LabCorp Variant Classification Summary - May 2015. Collection method: clinical testing. Allele origin: germline.
Comment: Variant summary: SMPD1 c.995C>T (p.Pro332Leu) results in a non-conservative amino acid change in the encoded protein sequence. Algorithms developed to predict the effect of missense changes on protein structure and function all suggest that this variant is likely to be disruptive. The variant allele was found at a frequency of 8e-05 in 251428 control chromosomes. This frequency is not significantly higher than estimated for a pathogenic variant in SMPD1 causing Niemann-Pick Disease (8e-05 vs 0.0022), allowing no conclusion about variant significance. c.995C>T has been observed in individual(s) affected with Parkinson disease,susceptibility (Robak_2017). These report(s) do not provide unequivocal conclusions about association of the variant with Niemann-Pick Disease. To our knowledge, no experimental evidence demonstrating an impact on protein function has been reported. The following publication has been ascertained in the context of this evaluation (PMID: 29140481). ClinVar contains an entry for this variant (Variation ID: 501715). Based on the evidence outlined above, the variant was classified as uncertain significance.

Fulgent Genetics
Classification: Uncertain significance for Niemann-Pick disease, type A; Niemann-Pick disease, type B. Last evaluated: 2021-10-22. Review status: criteria provided, single submitter. Criteria: ACMG Guidelines, 2015. Collection method: clinical testing. Allele origin: unknown.

Eurofins Ntd Llc (ga)
Classification: Uncertain significance. Last evaluated: 2017-05-02. Review status: criteria provided, single submitter. Criteria: EGL Classification Definitions 2015. Collection method: clinical testing. Allele origin: germline. Observed: 1 variant allele, 1 heterozygote.

Literature cited by the submitters: PubMed 15545621 (cited by Labcorp Genetics (formerly Invitae), Labcorp); PubMed 17011332 (cited by Labcorp Genetics (formerly Invitae), Labcorp); PubMed 29140481 (cited by Women's Health and Genetics/Laboratory Corporation of America, LabCorp).